The following is an entry in ClinVar:

ClinVar aggregate classification (germline): Likely benign (1 of 4 stars; one submission).

gnomAD v4.1: 1 of 1,535,268 alleles (0.000065%); highest among the groups gnomAD compares: Non-Finnish European, 0.000087%; no homozygotes.

Submission:

Molecular Diagnostic Laboratory for Inherited Cardiovascular Disease, Montreal Heart Institute
Classification: Likely benign. Last evaluated: 2025-04-09. Review status: criteria provided, single submitter. Criteria: ACMG Guidelines, 2015. Collection method: clinical testing. Allele origin: germline. Affected: no.
Comment: BP7

NM_001281740.3(FHOD3):c.1686T>C (p.Ser562=)

Gene: FHOD3 (formin homology 2 domain containing 3; plus strand). Cytogenetic location: 18q12.2.
Variant type: single nucleotide variant.
Coding change: c.1686T>C on transcript NM_001281740.3 (MANE Select); coding-DNA position 1686, T replaced by C.
Protein change: p.Ser562=; no amino-acid change (serine 562 retained).
Molecular consequence: synonymous variant. On other transcripts: intron variant (2).
Genome position (GRCh38, 1-based): chr18:36,653,381, T>C. VCF-style: chr18-36653381-T-C. GRCh37 (hg19) VCF-style: chr18-34233344-T-C.
Other names: c.1197-4694T>C (NM_025135.5, NM_001281739.3).
Identifiers: ClinVar variation 3895197 (VCV003895197.1).